The following is an entry in ClinVar:

ClinVar aggregate classification (germline): Uncertain significance (1 of 4 stars; one submission).

Submission:

CeGaT Center for Human Genetics Tuebingen
Classification: Uncertain significance. Last evaluated: 2026-06-01. Review status: criteria provided, single submitter. Criteria: CeGaT Center For Human Genetics Tuebingen Variant Classification Criteria Version 2. Collection method: clinical testing. Allele origin: germline. Affected: yes. Observed: 1 variant allele.
Comment: ATP7B: PM2, PVS1:Moderate

NM_000053.4(ATP7B):c.4392_4393dup (p.Ile1465fs)

Gene: ATP7B (ATPase copper transporting beta; minus strand). Cytogenetic location: 13q14.3.
Variant type: Duplication.
Coding change: c.4392_4393dup on transcript NM_000053.4 (MANE Select); coding-DNA positions 4392 to 4393, 2 bases duplicated (CA; older notation c.4392_4393dupCA).
Protein change: p.Ile1465fs; shifts the reading frame from isoleucine 1465.
Molecular consequence: frameshift variant.
Genome position (GRCh38, 1-based): chr13:51,934,761-51,934,762, TG duplicated on the plus strand (CA on the coding strand, the reverse complement: ATP7B is on the minus strand); duplicating any 2 consecutive bases within chr13:51,934,761-51,934,763 gives the same sequence; the c. name uses the placement nearest the transcript's 3' end. VCF-style (leftmost placement, unchanged base first): chr13-51934760-A-ATG. GRCh37 (hg19) VCF-style: chr13-52508896-A-ATG.
Other names: c.3771_3772dup, p.Ile1258fs (NM_001005918.3); c.4059_4060dup, p.Ile1354fs (NM_001243182.2); c.4158_4159dup, p.Ile1387fs (NM_001330578.2, NM_001406527.1, NM_001406528.1); c.4140_4141dup, p.Ile1381fs (NM_001330579.2, NM_001406531.1, NM_001406532.1); c.4392_4393dup, p.Ile1465fs (NM_001406511.1, NM_001406512.1); c.4386_4387dup, p.Ile1463fs (NM_001406513.1); c.4359_4360dup, p.Ile1454fs (NM_001406514.1); c.4338_4339dup, p.Ile1447fs (NM_001406515.1, NM_001406516.1); and 21 more; short protein forms I1035fs, I1184fs, I1238fs, I1249fs, I1258fs, I1271fs, I1301fs, I1303fs.
Identifiers: ClinVar variation 4873429 (VCV004873429.2).